The following is an entry in ClinVar:

NM_000092.5(COL4A4):c.1404A>G (p.Gln468=)

Gene: COL4A4 (collagen type IV alpha 4 chain; minus strand). Cytogenetic location: 2q36.3.
Variant type: single nucleotide variant.
Coding change: c.1404A>G on transcript NM_000092.5 (MANE Select); coding-DNA position 1404, A replaced by G.
Protein change: p.Gln468=; no amino-acid change (glutamine 468 retained).
Molecular consequence: synonymous variant.
Genome position (GRCh38, 1-based): chr2:227,089,923, T>C on the plus strand (A>G on the coding strand, the complement: COL4A4 is on the minus strand). VCF-style: chr2-227089923-T-C. GRCh37 (hg19) VCF-style: chr2-227954639-T-C.
Other names: c.1404A>G (NM_000092.4).
Identifiers: ClinVar variation 1624929 (VCV001624929.10), dbSNP rs774673142, ClinGen allele CA2145174.

ClinVar aggregate classification (germline): Conflicting classifications of pathogenicity. Review status: criteria provided, conflicting classifications (1 of 4 stars). 4 submissions from 4 submitters: Uncertain significance (1); Likely benign (3). Last evaluated 2024-11-07.

Conditions:
COL4A4-related disorder.

Allele frequency attached by ClinVar (database versions not stated): gnomAD exomes below 0.00001; ExAC 0.00001.
gnomAD v4.1: 4 of 1,613,706 alleles (0.00025%); highest among the groups gnomAD compares: South Asian, 0.0011%; no homozygotes.

Submissions (4):

PreventionGenetics, part of Exact Sciences
Classification: Likely benign for COL4A4-related condition. Last evaluated: 2024-11-07. Review status: criteria provided, single submitter. Criteria: ACMG Guidelines, 2015. Collection method: clinical testing. Allele origin: germline.
Comment: This variant is classified as likely benign based on ACMG/AMP sequence variant interpretation guidelines (Richards et al. 2015 PMID: 25741868, with internal and published modifications).

Blueprint Genetics
Classification: Likely benign. Last evaluated: 2024-09-08. Review status: criteria provided, single submitter. Criteria: ACMG Guidelines, 2015. Collection method: clinical testing. Allele origin: germline.

Labcorp Genetics (formerly Invitae), Labcorp
Classification: Likely benign. Last evaluated: 2024-02-19. Review status: criteria provided, single submitter. Criteria: Invitae Variant Classification Sherloc (09022015). Collection method: clinical testing. Allele origin: germline.

GeneDx
Classification: Uncertain significance. Last evaluated: 2023-01-12. Review status: criteria provided, single submitter. Criteria: GeneDx Variant Classification Process June 2021. Collection method: clinical testing. Allele origin: germline. Affected: yes.
Comment: Not observed at significant frequency in large population cohorts (gnomAD); In silico analysis supports a deleterious effect on splicing; Has not been previously published as pathogenic or benign to our knowledge